The following is an entry in ClinVar:

ClinVar aggregate classification (germline): Conflicting classifications of pathogenicity. Review status: criteria provided, conflicting classifications (1 of 4 stars). 6 submissions from 6 submitters: Pathogenic (1); Likely pathogenic (2); Uncertain significance (3). Last evaluated 2026-04-16.

Conditions:
Cardiovascular phenotype. Identifiers: MedGen CN230736.
Hereditary cancer-predisposing syndrome. Also called: Hereditary Cancer Syndrome; Hereditary neoplastic syndrome; Tumor predisposition; Neoplastic Syndromes, Hereditary. Identifiers: Orphanet 140162, MedGen C0027672, MeSH D009386, MONDO:0015356.
Neurofibromatosis, type 1 (NF1). Also called: NEUROFIBROMATOSIS, TYPE I, SOMATIC; Peripheral type neurofibromatosis; Neurofibromatosis, type I; VON RECKLINGHAUSEN DISEASE. Identifiers: Orphanet 636, MedGen C0027831, MONDO:0018975, OMIM 162200. Disease mechanism: loss of function.

Submissions (6):

Laboratorio de Genética, Hospital Universitario Reina Sofía
Classification: Likely pathogenic for Neurofibromatosis, type 1. Last evaluated: 2026-04-16. Review status: criteria provided, single submitter. Criteria: ACMG Guidelines, 2015. Collection method: clinical testing. Allele origin: de novo. Inheritance: Autosomal dominant inheritance. Affected: yes. Observed: 1 variant allele, 1 heterozygote.
Comment: NM_001042492.3(NF1):c.6968T>C is best classified as Likely Pathogenic if the de novo status is confirmed (maternity and paternity confirmed) because PS2 (Strong) plus PM2 (Moderate) meets ACMG/AMP Likely Pathogenic threshold; PM1_supporting/PP2_supporting are not NF1-specific validated criteria, and PP5 should not be used for independent classification.

Labcorp Genetics (formerly Invitae), Labcorp
Classification: Pathogenic for Neurofibromatosis, type 1. Last evaluated: 2024-04-15. Review status: criteria provided, single submitter. Criteria: Invitae Variant Classification Sherloc (09022015). Collection method: clinical testing. Allele origin: germline.
Comment: This sequence change replaces leucine, which is neutral and non-polar, with proline, which is neutral and non-polar, at codon 2302 of the NF1 protein (p.Leu2302Pro). This variant is not present in population databases (gnomAD no frequency). This missense change has been observed in individual(s) with clinical features of NF1-related conditions (PMID: 21520333; Invitae). In at least one individual the variant was observed to be de novo. ClinVar contains an entry for this variant (Variation ID: 429223). Advanced modeling of protein sequence and biophysical properties (such as structural, functional, and spatial information, amino acid conservation, physicochemical variation, residue mobility, and thermodynamic stability) performed at Invitae indicates that this missense variant is expected to disrupt NF1 protein function with a positive predictive value of 95%. For these reasons, this variant has been classified as Pathogenic.

Ambry Genetics
Classification: Likely pathogenic for Cardiovascular phenotype; Hereditary cancer-predisposing syndrome. Last evaluated: 2023-11-22. Review status: criteria provided, single submitter. Criteria: Ambry Variant Classification Scheme 2023. Collection method: clinical testing. Allele origin: germline.
Comment: The p.L2302P variant (also known as c.6905T>C), located in coding exon 46 of the NF1 gene, results from a T to C substitution at nucleotide position 6905. The leucine at codon 2302 is replaced by proline, an amino acid with similar properties. This alteration has been observed in at least one individual with a personal and/or family history that is consistent with NF1-related disease (Ambry internal data). This amino acid position is highly conserved in available vertebrate species. In addition, this alteration is predicted to be deleterious by in silico analysis. This variant is considered to be rare based on population cohorts in the Genome Aggregation Database (gnomAD). Based on the majority of available evidence to date, this variant is likely to be pathogenic.

Genome-Nilou Lab
Classification: Uncertain significance for Neurofibromatosis, type 1. Last evaluated: 2022-03-15. Review status: criteria provided, single submitter. Criteria: ACMG Guidelines, 2015. Collection method: clinical testing. Allele origin: germline. Affected: no.

GeneDx
Classification: Uncertain significance. Last evaluated: 2017-04-14. Review status: criteria provided, single submitter. Criteria: GeneDx Variant Classification (06012015). Collection method: clinical testing. Allele origin: germline. Affected: yes.
Comment: The L2302P variant has not been published as a pathogenic variant, nor has it been reported as a benign variant to our knowledge. The L2302P variant is not observed in large population cohorts (Lek et al., 2016; 1000 Genomes Consortium et al., 2015; Exome Variant Server). The L2302P variant is a semi-conservative amino acid substitution, which may impact secondary protein structure as these residues differ in some properties. This substitution occurs at a position that is conserved across species, and in silico analysis predicts this variant is probably damaging to the protein structure/function. However, no missense variants associated with NF1 have been reported in nearby residues in the Human Gene Mutation Database (Stenson et al., 2014). In summary, based on the currently available information, it is unclear whether this variant is pathogenic or a rare benign variant.

Center for Human Genetics, Inc
Classification: Uncertain significance for Neurofibromatosis, type 1. Last evaluated: 2016-11-01. Review status: criteria provided, single submitter. Criteria: ACMG Guidelines, 2015. Collection method: clinical testing. Allele origin: germline. Affected: yes.

Literature cited by the submitters: PubMed 21520333 (cited by Labcorp Genetics (formerly Invitae), Labcorp).

NM_001042492.3(NF1):c.6968T>C (p.Leu2323Pro)

Gene: NF1 (neurofibromin 1; plus strand). Cytogenetic location: 17q11.2.
Variant type: single nucleotide variant.
Coding change: c.6968T>C on transcript NM_001042492.3 (MANE Select); coding-DNA position 6968, T replaced by C.
Protein change: p.Leu2323Pro; replaces leucine 2323 with proline.
Molecular consequence: missense variant.
Genome position (GRCh38, 1-based): chr17:31,340,551, T>C. VCF-style: chr17-31340551-T-C. GRCh37 (hg19) VCF-style: chr17-29667569-T-C.
Other names: c.6905T>C, p.Leu2302Pro (NM_000267.4); short protein forms L2302P, L2323P.
Identifiers: ClinVar variation 429223 (VCV000429223.13), dbSNP rs1131691267, ClinGen allele CA399014936.